The following is an entry in ClinVar:

NM_198239.2(CCN6):c.296_298delinsTTA (p.Tyr99_Cys100delinsPheSer)

Gene: CCN6 (cellular communication network factor 6; plus strand). Cytogenetic location: 6q21.
Variant type: Indel.
Coding change: c.296_298delinsTTA on transcript NM_198239.2 (MANE Select); coding-DNA positions 296 to 298, ATT replaced by TTA.
Protein change: p.Tyr99_Cys100delinsPheSer.
Molecular consequence: missense variant. On other transcripts: non-coding transcript variant (2).
Genome position (GRCh38, 1-based): chr6:112,061,238-112,061,240, ATT replaced by TTA. VCF-style: chr6-112061238-ATT-TTA. GRCh37 (hg19) VCF-style: chr6-112382441-ATT-TTA.
Other names: c.296_298delinsTTA, p.Tyr99_Cys100delinsPheSer (NM_003880.4).
Identifiers: ClinVar variation 2577398 (VCV002577398.2), dbSNP rs2546920176, ClinGen allele CA2580617327.

ClinVar aggregate classification (germline): Pathogenic/Likely pathogenic. Review status: criteria provided, multiple submitters, no conflicts (2 of 4 stars). 2 submissions from 2 submitters: Pathogenic (1); Likely pathogenic (1). Last evaluated 2023-07-14.

Conditions:
Progressive pseudorheumatoid dysplasia (PPRD). Also called: SPONDYLOEPIPHYSEAL DYSPLASIA TARDA WITH PROGRESSIVE ARTHROPATHY; Progressive Pseudorheumatoid Arthropathy of Childhood. Identifiers: Orphanet 1159, MedGen C0432215, MONDO:0008827, OMIM 208230. Disease mechanism: loss of function.

Submissions (2):

Women's Health and Genetics/Laboratory Corporation of America, LabCorp
Classification: Pathogenic for Progressive pseudorheumatoid dysplasia. Last evaluated: 2023-07-14. Review status: criteria provided, single submitter. Criteria: LabCorp Variant Classification Summary - May 2015. Collection method: clinical testing. Allele origin: germline.
Comment: Variant summary: CCN6 c.296_298delinsTTA (p.Tyr99_Cys100delinsPheSer) results in an in-frame deletion-insertion that is predicted to cause changes in two amino acids in the insulin-like growth factor-binding protein domain (IPR000867) of the encoded protein sequence. In the literature, the variant is referred to as the constituent SNVs c.296A>T (p.Y99F) and c.298T>A (p.C100S). The variant as well as both of the constituent SNVs were absent in 250930 control chromosomes (gnomAD v2.1). c.296_298delinsTTA has been reported in the literature as the two constituent SNVs co-occurring in cis in at least four homozygous individuals affected with Progressive Pseudorheumatoid Dysplasia (e.g., Bhavani_2015, Sheth_2021). These data indicate that the variant is very likely to be associated with disease. The following publications have been ascertained in the context of this evaluation (PMID: 25988854, 34650595). No submitters have reported clinical-significance assessments for this variant or either of the constituent SNVs to ClinVar after 2014. Based on the evidence outlined above, the variant was classified as pathogenic.

Kasturba Medical College, Manipal, Kasturba Medical College, Manipal, Manipal Academy of Higher Education, Manipal, India
Classification: Likely pathogenic for Progressive pseudorheumatoid dysplasia. Review status: criteria provided, single submitter. Criteria: ACMG Guidelines, 2015. Collection method: research. Allele origin: germline. Inheritance: Autosomal recessive inheritance. Affected: yes. Observed: 1 homozygote.
Comment: This variant is not present in homozygous/heterozygous state in the gnomAD (v4.1.0) population database. The clinical features observed in the proband are in concordance with progressive pseudorheumatoid dysplasia.

Literature cited by the submitters: PubMed 25988854 (cited by Women's Health and Genetics/Laboratory Corporation of America, LabCorp); PubMed 34650595 (cited by Women's Health and Genetics/Laboratory Corporation of America, LabCorp).